The following is an entry in ClinVar:

ClinVar aggregate classification (germline): Conflicting classifications of pathogenicity. Review status: criteria provided, conflicting classifications (1 of 4 stars). 2 submissions from 2 submitters: Uncertain significance (1); Likely benign (1). Last evaluated 2025-07-23.

Conditions:
Hereditary cancer-predisposing syndrome. Also called: Hereditary Cancer Syndrome; Hereditary neoplastic syndrome; Neoplastic Syndromes, Hereditary; Tumor predisposition. Identifiers: Orphanet 140162, MedGen C0027672, MeSH D009386, MONDO:0015356.

Submissions (2):

Ambry Genetics
Classification: Uncertain significance for Hereditary cancer-predisposing syndrome. Last evaluated: 2025-07-23. Review status: criteria provided, single submitter. Criteria: Ambry Variant Classification Scheme 2023. Collection method: clinical testing. Allele origin: germline.
Comment: The c.5378+4C>A intronic variant results from a C to A substitution 4 nucleotides after coding exon 39 in the POLE gene. This nucleotide position is not well conserved in available vertebrate species. In silico splice site analysis predicts that this alteration will not have any significant effect on splicing. Based on the available evidence, the clinical significance of this variant remains unclear.

Labcorp Genetics (formerly Invitae), Labcorp
Classification: Likely benign. Last evaluated: 2024-11-26. Review status: criteria provided, single submitter. Criteria: Invitae Variant Classification Sherloc (09022015). Collection method: clinical testing. Allele origin: germline.

NM_006231.4(POLE):c.5378+4C>A

Gene: POLE (DNA polymerase epsilon, catalytic subunit; minus strand). Cytogenetic location: 12q24.33.
Variant type: single nucleotide variant.
Coding change: c.5378+4C>A on transcript NM_006231.4 (MANE Select); 4 bases into the intron after coding-DNA position 5378, C replaced by A.
Molecular consequence: intron variant.
Genome position (GRCh38, 1-based): chr12:132,641,643, G>T on the plus strand (C>A on the coding strand, the complement: POLE is on the minus strand). VCF-style: chr12-132641643-G-T. GRCh37 (hg19) VCF-style: chr12-133218229-G-T.
Other names: c.5378+4C>A (NM_006231.2).
Identifiers: ClinVar variation 3726050 (VCV003726050.3).